The following is an entry in ClinVar:

NM_019098.5(CNGB3):c.1928+2T>C

Gene: CNGB3 (cyclic nucleotide gated channel subunit beta 3; minus strand). Cytogenetic location: 8q21.3.
Variant type: single nucleotide variant.
Coding change: c.1928+2T>C on transcript NM_019098.5 (MANE Select); the canonical splice donor site of the intron after coding-DNA position 1928, T replaced by C.
Molecular consequence: splice donor variant.
Genome position (GRCh38, 1-based): chr8:86,579,104, A>G on the plus strand (T>C on the coding strand, the complement: CNGB3 is on the minus strand). VCF-style: chr8-86579104-A-G. GRCh37 (hg19) VCF-style: chr8-87591332-A-G.
Identifiers: ClinVar variation 371674 (VCV000371674.5), dbSNP rs1057517454, ClinGen allele CA16041188.

ClinVar aggregate classification (germline): Likely pathogenic. Review status: criteria provided, single submitter (1 of 4 stars). 2 submissions from 2 submitters: Likely pathogenic (1). 1 of the submissions does not count toward it. Last evaluated 2024-02-15.

Conditions:
Achromatopsia 3 (ACHM3). Also called: ACHROMATOPSIA WITH MYOPIA; PINGELAPESE BLINDNESS; TOTAL COLORBLINDNESS WITH MYOPIA; ROD MONOCHROMACY 1; ROD MONOCHROMATISM 1. Identifiers: Orphanet 49382, MedGen C1849792, MONDO:0009875, OMIM 262300.

Submissions (2):

Labcorp Genetics (formerly Invitae), Labcorp
Classification: Likely pathogenic. Last evaluated: 2024-02-15. Review status: criteria provided, single submitter. Criteria: Invitae Variant Classification Sherloc (09022015). Collection method: clinical testing. Allele origin: germline.
Comment: This sequence change affects a donor splice site in intron 16 of the CNGB3 gene. It is expected to disrupt RNA splicing. Variants that disrupt the donor or acceptor splice site typically lead to a loss of protein function (PMID: 16199547), and loss-of-function variants in CNGB3 are known to be pathogenic (PMID: 28795510). This variant is not present in population databases (gnomAD no frequency). Disruption of this splice site has been observed in individual(s) with achromatopsia (PMID: 29145603). ClinVar contains an entry for this variant (Variation ID: 371674). Algorithms developed to predict the effect of sequence changes on RNA splicing suggest that this variant may disrupt the consensus splice site. In summary, the currently available evidence indicates that the variant is pathogenic, but additional data are needed to prove that conclusively. Therefore, this variant has been classified as Likely Pathogenic.

Counsyl
Classification: Likely pathogenic for Achromatopsia 3. Last evaluated: 2016-11-14. Review status: no assertion criteria provided. Collection method: clinical testing. Allele origin: unknown. Not counted in ClinVar's aggregate classification.

Literature cited by the submitters: PubMed 16199547 (cited by Labcorp Genetics (formerly Invitae), Labcorp); PubMed 28795510 (cited by Labcorp Genetics (formerly Invitae), Labcorp); PubMed 29145603 (cited by Labcorp Genetics (formerly Invitae), Labcorp).